The following is an entry in ClinVar:

NM_021728.4(OTX2):c.167C>T (p.Ala56Val)

Gene: OTX2 (orthodenticle homeobox 2; minus strand). Cytogenetic location: 14q22.3.
Variant type: single nucleotide variant.
Coding change: c.167C>T on transcript NM_021728.4 (MANE Select); coding-DNA position 167, C replaced by T.
Protein change: p.Ala56Val; replaces alanine 56 with valine.
Molecular consequence: missense variant.
Genome position (GRCh38, 1-based): chr14:56,804,294, G>A on the plus strand (C>T on the coding strand, the complement: OTX2 is on the minus strand). VCF-style: chr14-56804294-G-A. GRCh37 (hg19) VCF-style: chr14-57271012-G-A.
Other names: c.143C>T, p.Ala48Val (NM_001270523.2, NM_001270524.2, NM_172337.3); c.167C>T, p.Ala56Val (NM_001270525.2); short protein forms A48V, A56V.
Identifiers: ClinVar variation 4722104 (VCV004722104.1).

ClinVar aggregate classification (germline): Uncertain significance (1 of 4 stars; one submission).

Conditions:
Anophthalmia-microphthalmia syndrome. Also called: Anophthalmia/Microphthalmia; Anophthalmia - microphthalmia. Identifiers: Orphanet 98555, MedGen C5680330, MONDO:0020147.

gnomAD v4.1: 2 of 1,614,108 alleles (0.00012%); highest among the groups gnomAD compares: South Asian, 0.0011%; no homozygotes.

Submission:

Labcorp Genetics (formerly Invitae), Labcorp
Classification: Uncertain significance for Anophthalmia-microphthalmia syndrome. Last evaluated: 2025-06-29. Review status: criteria provided, single submitter. Criteria: Invitae Variant Classification Sherloc (09022015). Collection method: clinical testing. Allele origin: germline.
Comment: This sequence change replaces alanine, which is neutral and non-polar, with valine, which is neutral and non-polar, at codon 48 of the OTX2 protein (p.Ala48Val). This variant is not present in population databases (gnomAD no frequency). This variant has not been reported in the literature in individuals affected with OTX2-related conditions. An algorithm developed to predict the effect of missense changes on protein structure and function (PolyPhen-2) suggests that this variant is likely to be disruptive. In summary, the available evidence is currently insufficient to determine the role of this variant in disease. Therefore, it has been classified as a Variant of Uncertain Significance.